The following is an entry in ClinVar:

NM_014254.3(RXYLT1):c.902C>T (p.Ser301Leu)

Gene: RXYLT1 (ribitol xylosyltransferase 1; plus strand). Cytogenetic location: 12q14.2.
Variant type: single nucleotide variant.
Coding change: c.902C>T on transcript NM_014254.3 (MANE Select); coding-DNA position 902, C replaced by T.
Protein change: p.Ser301Leu; replaces serine 301 with leucine.
Molecular consequence: missense variant.
Genome position (GRCh38, 1-based): chr12:63,805,392, C>T. VCF-style: chr12-63805392-C-T. GRCh37 (hg19) VCF-style: chr12-64199172-C-T.
Other names: c.122C>T, p.Ser41Leu (NM_001278237.2); c.902C>T (NM_014254.1); short protein forms S301L, S41L.
Identifiers: ClinVar variation 2079433 (VCV002079433.2), dbSNP rs867042194, ClinGen allele CA238830522.

ClinVar aggregate classification (germline): Uncertain significance. Review status: criteria provided, multiple submitters, no conflicts (2 of 4 stars). 2 submissions from 2 submitters: Uncertain significance (2). Last evaluated 2025-05-19.

Conditions:
Inborn genetic diseases. Identifiers: MedGen C0950123, MeSH D030342.

Allele frequency attached by ClinVar (database versions not stated): gnomAD 0.00001; TOPMed 0.00002.
gnomAD v4.1: 4 of 1,602,480 alleles (0.00025%); highest among the groups gnomAD compares: Non-Finnish European, 0.00034%; no homozygotes.

Submissions (2):

Ambry Genetics
Classification: Uncertain significance for Inborn genetic diseases. Last evaluated: 2025-05-19. Review status: criteria provided, single submitter. Criteria: Ambry Variant Classification Scheme 2023. Collection method: clinical testing. Allele origin: germline.

Labcorp Genetics (formerly Invitae), Labcorp
Classification: Uncertain significance. Last evaluated: 2022-05-30. Review status: criteria provided, single submitter. Criteria: Invitae Variant Classification Sherloc (09022015). Collection method: clinical testing. Allele origin: germline.
Comment: This sequence change replaces serine, which is neutral and polar, with leucine, which is neutral and non-polar, at codon 301 of the RXYLT1 protein (p.Ser301Leu). This variant is not present in population databases (gnomAD no frequency). This variant has not been reported in the literature in individuals affected with RXYLT1-related conditions. Algorithms developed to predict the effect of missense changes on protein structure and function (SIFT, PolyPhen-2, Align-GVGD) all suggest that this variant is likely to be tolerated. In summary, the available evidence is currently insufficient to determine the role of this variant in disease. Therefore, it has been classified as a Variant of Uncertain Significance.